The following is an entry in ClinVar:

ClinVar aggregate classification (germline): Uncertain significance. Review status: criteria provided, multiple submitters, no conflicts (2 of 4 stars). 2 submissions from 2 submitters: Uncertain significance (2). Last evaluated 2023-03-01.

Allele frequency attached by ClinVar (database versions not stated): gnomAD 0.00001; gnomAD exomes 0.00002; ExAC 0.00005; ESP Exome Variant Server 0.00008.

Submissions (2):

CeGaT Center for Human Genetics Tuebingen
Classification: Uncertain significance. Last evaluated: 2023-03-01. Review status: criteria provided, single submitter. Criteria: CeGaT Center For Human Genetics Tuebingen Variant Classification Criteria Version 2. Collection method: clinical testing. Allele origin: germline. Affected: yes. Observed: 1 variant allele.
Comment: SPEG: PM2

Labcorp Genetics (formerly Invitae), Labcorp
Classification: Uncertain significance. Last evaluated: 2022-09-02. Review status: criteria provided, single submitter. Criteria: Invitae Variant Classification Sherloc (09022015). Collection method: clinical testing. Allele origin: germline.
Comment: This sequence change replaces threonine, which is neutral and polar, with methionine, which is neutral and non-polar, at codon 2991 of the SPEG protein (p.Thr2991Met). This variant is present in population databases (rs201608901, gnomAD 0.01%). This variant has not been reported in the literature in individuals affected with SPEG-related conditions. Algorithms developed to predict the effect of missense changes on protein structure and function are either unavailable or do not agree on the potential impact of this missense change (SIFT: "Deleterious"; PolyPhen-2: "Probably Damaging"; Align-GVGD: "Class C0"). In summary, the available evidence is currently insufficient to determine the role of this variant in disease. Therefore, it has been classified as a Variant of Uncertain Significance.

NM_005876.5(SPEG):c.8972C>T (p.Thr2991Met)

Genes: ASIC4-AS1 (ASIC4 antisense RNA 1; minus strand), SPEG (striated muscle enriched protein kinase; plus strand). Cytogenetic location: 2q35.
Variant type: single nucleotide variant.
Coding change: c.8972C>T on transcript NM_005876.5 (MANE Select); coding-DNA position 8972, C replaced by T.
Protein change: p.Thr2991Met; replaces threonine 2991 with methionine.
Molecular consequence: missense variant.
Genome position (GRCh38, 1-based): chr2:219,490,459, C>T. VCF-style: chr2-219490459-C-T. GRCh37 (hg19) VCF-style: chr2-220355181-C-T.
Other names: short protein forms T2991M.
Identifiers: ClinVar variation 1991936 (VCV001991936.29), dbSNP rs201608901, ClinGen allele CA2127633.